The following is an entry in ClinVar:

ClinVar aggregate classification (germline): Uncertain significance (1 of 4 stars; one submission).

Conditions:
Hereditary cancer-predisposing syndrome. Also called: Neoplastic Syndromes, Hereditary; Tumor predisposition; Hereditary Cancer Syndrome; Hereditary neoplastic syndrome. Identifiers: Orphanet 140162, MedGen C0027672, MeSH D009386, MONDO:0015356.

Submission:

Ambry Genetics
Classification: Uncertain significance for Hereditary cancer-predisposing syndrome. Last evaluated: 2025-07-10. Review status: criteria provided, single submitter. Criteria: Ambry Variant Classification Scheme 2023. Collection method: clinical testing. Allele origin: germline.
Comment: The p.S46G variant (also known as c.136A>G), located in coding exon 1 of the SMARCA4 gene, results from an A to G substitution at nucleotide position 136. The serine at codon 46 is replaced by glycine, an amino acid with similar properties. This amino acid position is conserved. In addition, the in silico prediction for this alteration is inconclusive. Based on the available evidence, the clinical significance of this variant remains unclear.

NM_003072.5(SMARCA4):c.136A>G (p.Ser46Gly)

Gene: SMARCA4 (SWI/SNF related BAF chromatin remodeling complex subunit ATPase 4; plus strand). Cytogenetic location: 19p13.2.
Variant type: single nucleotide variant.
Coding change: c.136A>G on transcript NM_003072.5 (MANE Select); coding-DNA position 136, A replaced by G.
Protein change: p.Ser46Gly; replaces serine 46 with glycine.
Molecular consequence: missense variant. On other transcripts: non-coding transcript variant (1).
Genome position (GRCh38, 1-based): chr19:10,984,287, A>G. VCF-style: chr19-10984287-A-G. GRCh37 (hg19) VCF-style: chr19-11094963-A-G.
Other names: c.136A>G, p.Ser46Gly (NM_001128844.3, NM_001128845.2, NM_001128846.2 and 6 more transcripts); short protein forms S46G.
Identifiers: ClinVar variation 4170154 (VCV004170154.1).